The following is an entry in ClinVar:

NM_001199267.2(DGKZ):c.1195G>A (p.Glu399Lys)

Gene: DGKZ (diacylglycerol kinase zeta; plus strand). Cytogenetic location: 11p11.2.
Variant type: single nucleotide variant.
Coding change: c.1195G>A on transcript NM_001199267.2 (MANE Select); coding-DNA position 1195, G replaced by A.
Protein change: p.Glu399Lys; replaces glutamic acid 399 with lysine.
Molecular consequence: missense variant.
Genome position (GRCh38, 1-based): chr11:46,372,973, G>A. VCF-style: chr11-46372973-G-A. GRCh37 (hg19) VCF-style: chr11-46394523-G-A.
Other names: c.1762G>A, p.Glu588Lys (NM_001105540.2); c.1198G>A, p.Glu400Lys (NM_001199266.2, NM_003646.4); c.1129G>A, p.Glu377Lys (NM_001199268.2); c.1246G>A, p.Glu416Lys (NM_201532.3); c.1210G>A, p.Glu404Lys (NM_201533.3); short protein forms E400K, E404K, E588K, E399K, E377K, E416K.
Identifiers: ClinVar variation 3668795 (VCV003668795.2).

ClinVar aggregate classification (germline): Uncertain significance (1 of 4 stars; one submission).

Submission:

Labcorp Genetics (formerly Invitae), Labcorp
Classification: Uncertain significance. Last evaluated: 2024-06-01. Review status: criteria provided, single submitter. Criteria: Invitae Variant Classification Sherloc (09022015). Collection method: clinical testing. Allele origin: germline.
Comment: This sequence change replaces glutamic acid, which is acidic and polar, with lysine, which is basic and polar, at codon 588 of the DGKZ protein (p.Glu588Lys). This variant is not present in population databases (gnomAD no frequency). This variant has not been reported in the literature in individuals affected with DGKZ-related conditions. An algorithm developed to predict the effect of missense changes on protein structure and function (PolyPhen-2) suggests that this variant is likely to be disruptive. In summary, the available evidence is currently insufficient to determine the role of this variant in disease. Therefore, it has been classified as a Variant of Uncertain Significance.